The following is an entry in ClinVar:

NM_000264.5(PTCH1):c.2472G>C (p.Arg824Ser)

Genes: PTCH1 (patched 1; minus strand), LOC100507346 (uncharacterized LOC100507346; plus strand). Cytogenetic location: 9q22.32.
Variant type: single nucleotide variant.
Coding change: c.2472G>C on transcript NM_000264.5 (MANE Select); coding-DNA position 2472, G replaced by C.
Protein change: p.Arg824Ser; replaces arginine 824 with serine.
Molecular consequence: missense variant. On other transcripts: non-coding transcript variant (2).
Genome position (GRCh38, 1-based): chr9:95,467,204, C>G on the plus strand (G>C on the coding strand, the complement: PTCH1 is on the minus strand). VCF-style: chr9-95467204-C-G. GRCh37 (hg19) VCF-style: chr9-98229486-C-G.
Other names: c.2274G>C, p.Arg758Ser (NM_001083602.3); c.2469G>C, p.Arg823Ser (NM_001083603.3); c.2019G>C, p.Arg673Ser (NM_001083604.3, NM_001083605.3, NM_001083606.3 and 1 more transcripts); c.2316G>C, p.Arg772Ser (NM_001354918.2); short protein forms R824S, R772S, R673S, R758S, R823S.
Identifiers: ClinVar variation 3427195 (VCV003427195.1).

ClinVar aggregate classification (germline): Uncertain significance (1 of 4 stars; one submission).

Conditions:
Hereditary cancer-predisposing syndrome. Also called: Neoplastic Syndromes, Hereditary; Tumor predisposition; Hereditary Cancer Syndrome; Hereditary neoplastic syndrome. Identifiers: Orphanet 140162, MedGen C0027672, MeSH D009386, MONDO:0015356.

Submission:

Ambry Genetics
Classification: Uncertain significance for Hereditary cancer-predisposing syndrome. Last evaluated: 2024-06-29. Review status: criteria provided, single submitter. Criteria: Ambry Variant Classification Scheme 2023. Collection method: clinical testing. Allele origin: germline.
Comment: The p.R824S variant (also known as c.2472G>C), located in coding exon 15 of the PTCH1 gene, results from a G to C substitution at nucleotide position 2472. The arginine at codon 824 is replaced by serine, an amino acid with dissimilar properties. This amino acid position is conserved. In addition, this alteration is predicted to be tolerated by in silico analysis. Based on the available evidence, the clinical significance of this variant remains unclear.